The following is an entry in ClinVar:

ClinVar aggregate classification (germline): Uncertain significance (1 of 4 stars; one submission).

Allele frequency attached by ClinVar (database versions not stated): gnomAD exomes below 0.00001.
gnomAD v4.1: 1 of 1,601,654 alleles (0.000062%); highest among the groups gnomAD compares: Non-Finnish European, 0.000085%; no homozygotes.

Submission:

Labcorp Genetics (formerly Invitae), Labcorp
Classification: Uncertain significance. Last evaluated: 2023-06-15. Review status: criteria provided, single submitter. Criteria: Invitae Variant Classification Sherloc (09022015). Collection method: clinical testing. Allele origin: germline.
Comment: This variant has not been reported in the literature in individuals affected with KL-related conditions. Advanced modeling of protein sequence and biophysical properties (such as structural, functional, and spatial information, amino acid conservation, physicochemical variation, residue mobility, and thermodynamic stability) performed at Invitae indicates that this missense variant is not expected to disrupt KL protein function. This sequence change replaces arginine, which is basic and polar, with proline, which is neutral and non-polar, at codon 174 of the KL protein (p.Arg174Pro). In summary, the available evidence is currently insufficient to determine the role of this variant in disease. Therefore, it has been classified as a Variant of Uncertain Significance. This variant is not present in population databases (gnomAD no frequency).

NM_004795.4(KL):c.521G>C (p.Arg174Pro)

Gene: KL (klotho; plus strand). Cytogenetic location: 13q13.1.
Variant type: single nucleotide variant.
Coding change: c.521G>C on transcript NM_004795.4 (MANE Select); coding-DNA position 521, G replaced by C.
Protein change: p.Arg174Pro; replaces arginine 174 with proline.
Molecular consequence: missense variant.
Genome position (GRCh38, 1-based): chr13:33,016,961, G>C. VCF-style: chr13-33016961-G-C. GRCh37 (hg19) VCF-style: chr13-33591099-G-C.
Other names: short protein forms R174P.
Identifiers: ClinVar variation 2716999 (VCV002716999.3), dbSNP rs2501697727, ClinGen allele CA387781762.